The following is an entry in ClinVar:

NM_001267550.2(TTN):c.101958CCA[3] (p.His33987_Gln33988insHis)

Genes: TTN (titin; minus strand), TTN-AS1 (TTN antisense RNA 1; plus strand). Cytogenetic location: 2q31.2.
Variant type: Microsatellite.
Coding change: c.101958CCA[3] on transcript NM_001267550.2 (MANE Select); three copies in a row of the 3-base unit CCA starting at c.101958; the reference has two copies in a row; one copy, 3 bases duplicated; also written c.101961_101963dup.
Protein change: p.His33987_Gln33988insHis.
Molecular consequence: inframe insertion.
Genome position (GRCh38, 1-based): chr2:178,534,652-178,534,654, TGG duplicated on the plus strand (CCA on the coding strand, the reverse complement: TTN is on the minus strand); duplicating any 3 consecutive bases within chr2:178,534,652-178,534,657 gives the same sequence; the position shown is the placement nearest the transcript's 3' end. VCF-style (leftmost placement, unchanged base first): chr2-178534651-C-CTGG. GRCh37 (hg19) VCF-style: chr2-179399378-C-CTGG.
Other names: c.97035CCA[3], p.His32346_Gln32347insHis (NM_001256850.1); c.74763CCA[3], p.His24922_Gln24923insHis (NM_003319.4); c.94254CCA[3], p.His31419_Gln31420insHis (NM_133378.4); c.75138CCA[3], p.His25047_Gln25048insHis (NM_133432.3); c.75339CCA[3], p.His25114_Gln25115insHis (NM_133437.4); c.101961_101963dup (NM_001267550.2).
Identifiers: ClinVar variation 4884019 (VCV004884019.2).

ClinVar aggregate classification (germline): Uncertain significance (1 of 4 stars; one submission).

Submission:

Dasa
Classification: Uncertain significance. Last evaluated: 2026-03-23. Review status: criteria provided, single submitter. Criteria: DASA Assertion Criteria. Collection method: clinical testing. Allele origin: germline.
Comment: NM_001267550.2(TTN):c.101961_101963dup (p.His33987dup) is an in-frame duplication predicted to duplicate histidine at protein position 33987 without shifting the reading frame. This variant is rare in population databases. The currently available literature and clinical evidence are not sufficient to establish a definitive association between this variant and the reported condition. Therefore, this variant is classified as a variant of uncertain significance.